The following is an entry in ClinVar:

NM_020433.5(JPH2):c.363G>A (p.Glu121=)

Gene: JPH2 (junctophilin 2; minus strand). Cytogenetic location: 20q13.12.
Variant type: single nucleotide variant.
Coding change: c.363G>A on transcript NM_020433.5 (MANE Select); coding-DNA position 363, G replaced by A.
Protein change: p.Glu121=; no amino-acid change (glutamic acid 121 retained).
Molecular consequence: synonymous variant.
Genome position (GRCh38, 1-based): chr20:44,186,343, C>T on the plus strand (G>A on the coding strand, the complement: JPH2 is on the minus strand). VCF-style: chr20-44186343-C-T. GRCh37 (hg19) VCF-style: chr20-42814983-C-T.
Other names: c.363G>A, p.Glu121= (NM_175913.4).
Identifiers: ClinVar variation 505318 (VCV000505318.10), dbSNP rs753073876, ClinGen allele CA9868891.

ClinVar aggregate classification (germline): Likely benign. Review status: criteria provided, multiple submitters, no conflicts (2 of 4 stars). 4 submissions from 4 submitters: Likely benign (4). Last evaluated 2026-05-28.

Conditions:
JPH2-related disorder. Also called: JPH2-related condition.
Cardiovascular phenotype. Identifiers: MedGen CN230736.

Allele frequency attached by ClinVar (database versions not stated): ExAC 0.00001; gnomAD exomes 0.00001.
gnomAD v4.1: 8 of 1,611,790 alleles (0.0005%); highest among the groups gnomAD compares: South Asian, 0.0055%; no homozygotes.

Submissions (4):

PreventionGenetics, part of Exact Sciences
Classification: Likely benign for JPH2-related condition. Last evaluated: 2026-05-28. Review status: criteria provided, single submitter. Criteria: ACMG Guidelines, 2015. Collection method: clinical testing. Allele origin: germline.
Comment: This variant is classified as likely benign based on ACMG/AMP sequence variant interpretation guidelines (Richards et al. 2015 PMID: 25741868, with internal and published modifications).

Blueprint Genetics
Classification: Likely benign. Last evaluated: 2024-11-13. Review status: criteria provided, single submitter. Criteria: ACMG Guidelines, 2015. Collection method: clinical testing. Allele origin: germline.

Ambry Genetics
Classification: Likely benign for Cardiovascular phenotype. Last evaluated: 2016-10-01. Review status: criteria provided, single submitter. Criteria: Ambry Variant Classification Scheme 2023. Collection method: clinical testing. Allele origin: germline.

Laboratory for Molecular Medicine, Mass General Brigham Personalized Medicine
Classification: Likely benign. Last evaluated: 2016-09-01. Review status: criteria provided, single submitter. Criteria: LMM Criteria. Collection method: clinical testing. Allele origin: germline. Observed: 1 variant allele.
Comment: p.Glu121Glu in exon 1 of JPH2: This variant is not expected to have clinical sig nificance because it does not alter an amino acid residue and is not located wit hin the splice consensus sequence. It has been identified in 1/16502 South Asian chromosomes by the Exome Aggregation Consortium (ExAC; dbSNP rs753073876).